The following is an entry in ClinVar:

ClinVar aggregate classification (germline): Uncertain significance (1 of 4 stars; one submission).

Conditions:
Neuronal ceroid lipofuscinosis. Also called: Neuronal Ceroid Lipofuscinoses. Identifiers: Orphanet 216, Orphanet 79263, MedGen C0027877, MONDO:0016295. Disease mechanism: loss of function.

Submission:

Labcorp Genetics (formerly Invitae), Labcorp
Classification: Uncertain significance for Neuronal ceroid lipofuscinosis. Last evaluated: 2023-12-07. Review status: criteria provided, single submitter. Criteria: Invitae Variant Classification Sherloc (09022015). Collection method: clinical testing. Allele origin: germline.
Comment: This sequence change replaces alanine, which is neutral and non-polar, with threonine, which is neutral and polar, at codon 38 of the CLN5 protein (p.Ala38Thr). This variant is not present in population databases (gnomAD no frequency). This variant has not been reported in the literature in individuals affected with CLN5-related conditions. ClinVar contains an entry for this variant (Variation ID: 1522577). An algorithm developed to predict the effect of missense changes on protein structure and function (PolyPhen-2) suggests that this variant¬†is likely to be tolerated. In summary, the available evidence is currently insufficient to determine the role of this variant in disease. Therefore, it has been classified as a Variant of Uncertain Significance.

NC_000013.11:g.76992063G>A

Gene: CLN5 (CLN5 lysosomal BMP synthase; plus strand). Cytogenetic location: 13q22.3.
Variant type: single nucleotide variant.
Genome position: GRCh38 VCF-style: chr13-76992063-G-A. GRCh37 (hg19) VCF-style: chr13-77566198-G-A.
Identifiers: ClinVar variation 1522577 (VCV001522577.6), dbSNP rs1351624850, ClinGen allele CA388306041.
Genomic context (GRCh38, chr13:76,992,063, plus strand): 5'-CAAGGCGCCCCGCGTCCCGGACTGGCGGCTCCGCGCATGCTCCTCCCACCGGCGTCGCAG[G>A]CCTCGAGAGGCTCCGGAAGTACTGGGTGCAGCCTGATGGCGCAGGAGGTAGACACGGCAC-3'